The following is an entry in ClinVar:

NM_000204.5(CFI):c.269G>A (p.Ser90Asn)

Gene: CFI (complement factor I; minus strand). Cytogenetic location: 4q25.
Variant type: single nucleotide variant.
Coding change: c.269G>A on transcript NM_000204.5 (MANE Select); coding-DNA position 269, G replaced by A.
Protein change: p.Ser90Asn; replaces serine 90 with asparagine.
Molecular consequence: missense variant. On other transcripts: non-coding transcript variant (3), intron variant (1).
Genome position (GRCh38, 1-based): chr4:109,766,613, C>T on the plus strand (G>A on the coding strand, the complement: CFI is on the minus strand). VCF-style: chr4-109766613-C-T. GRCh37 (hg19) VCF-style: chr4-110687769-C-T.
Other names: c.269G>A, p.Ser90Asn (NM_001318057.2, NM_001331035.2, NM_001375278.1 and 10 more transcripts); c.-127-4921G>A (NM_001375284.1); short protein forms S90N.
Identifiers: ClinVar variation 4280546 (VCV004280546.1).

ClinVar aggregate classification (germline): Likely pathogenic (1 of 4 stars; one submission).

Conditions:
CFI-related disorder. Also called: CFI-related condition; CFI-related disorders. Identifiers: MedGen CN239325.

gnomAD v4.1: 1 of 1,614,184 alleles (0.000062%); highest among the groups gnomAD compares: African/African-American, 0.0013%; no homozygotes.

Submission:

Genomenon, Inc
Classification: Likely pathogenic for CFI-related disorder. Last evaluated: 2025-09-26. Review status: criteria provided, single submitter. Criteria: Genomenon Sequence Variant Interpretation Standards - Updated. Collection method: curation. Allele origin: germline. Affected: yes.
Comment: CFI p.Ser90Asn (c.269G>A) is a missense variant that changes the amino acid at residue 90 from Serine to Asparagine. This variant has been observed in at least one proband affected with a CFI-related disorder (PMID:30890598;32510551). At least one functional study has demonstrated a substantial alteration in protein function relative to the wild-type (PMID:32510551). It is absent or not present at a significant frequency in gnomAD. In conclusion, we classify CFI p.Ser90Asn (c.269G>A) as a likely pathogenic variant.

Literature cited by the submitters: PubMed 30890598; 32510551.